The following is an entry in ClinVar:

ClinVar aggregate classification (germline): Pathogenic (1 of 4 stars; one submission).

Submission:

Labcorp Genetics (formerly Invitae), Labcorp
Classification: Pathogenic. Last evaluated: 2024-08-23. Review status: criteria provided, single submitter. Criteria: Invitae Variant Classification Sherloc (09022015). Collection method: clinical testing. Allele origin: germline.
Comment: This sequence change creates a premature translational stop signal (p.Thr563Lysfs*7) in the PHEX gene. It is expected to result in an absent or disrupted protein product. Loss-of-function variants in PHEX are known to be pathogenic (PMID: 9097956, 9106524, 19219621). This variant is not present in population databases (gnomAD no frequency). This variant has not been reported in the literature in individuals affected with PHEX-related conditions. For these reasons, this variant has been classified as Pathogenic.

Literature cited by the submitters: PubMed 9097956; PubMed 9106524; PubMed 19219621.

NM_000444.6(PHEX):c.1688del (p.Thr563fs)

Genes: PHEX (phosphate regulating endopeptidase X-linked; plus strand), PTCHD1-AS (PTCHD1 and PHEX antisense RNA; minus strand). Cytogenetic location: Xp22.11.
Variant type: Deletion.
Coding change: c.1688del on transcript NM_000444.6 (MANE Select); coding-DNA position 1688, one base deleted (C; older notation c.1688delC).
Protein change: p.Thr563fs; shifts the reading frame from threonine 563.
Molecular consequence: frameshift variant.
Genome position (GRCh38, 1-based): chrX:22,212,946, C deleted. VCF-style (leftmost placement, unchanged base first): chrX-22212945-AC-A. GRCh37 (hg19) VCF-style: chrX-22231062-AC-A.
Other names: c.1688del, p.Thr563fs (NM_001282754.2); short protein forms T563fs.
Identifiers: ClinVar variation 3661821 (VCV003661821.2).